The following is an entry in ClinVar:

ClinVar aggregate classification (germline): Uncertain significance (1 of 4 stars; one submission).

Submission:

Clinical Genomics Laboratory, Laboratory for Precision Diagnostics, University of Washington
Classification: Uncertain significance. Last evaluated: 2025-05-19. Review status: criteria provided, single submitter. Criteria: ACMG/ClinGen CNV Guidelines, 2019. Collection method: clinical testing. Allele origin: unknown. Affected: yes. Observed: 1 variant allele.
Comment: This interstitial duplication is approximately 672 kb in size and affects 6 protein coding genes. It is a duplication of LCR22E-F in the distal region of 22q11.2, sometimes referred to as the distal type II duplication of 22q11.2 (see ClinGen). This duplication is curated by ClinGen as currently having little evidence for causing health or developmental problems. Duplications of this region are rare. People identified with this duplication because of clinical testing often have nonspecific findings, such as learning differences, developmental delays, distinctive facial features, and neurocognitive differences such as attention-deficit disorder. However, the duplication is often inherited from an unaffected parent. This duplication also appears at low frequency in both DGV and gnomAD, two databases of copy number variants found in healthy control groups.

Literature cited by the submitters: PubMed 34906464; PubMed 2218739; PubMed 26640714; PubMed 34621295; PubMed 22140377.

GRCh38/hg38 22q11.22-11.23(chr22:22633642-23305822)x3

Genes: IGLJ1 (immunoglobulin lambda joining 1; plus strand), IGLJ5 (immunoglobulin lambda joining 5 (non-functional); plus strand), IGLV2-23 (immunoglobulin lambda variable 2-23; plus strand), IGLV2-8 (immunoglobulin lambda variable 2-8; plus strand), IGLV3-1 (immunoglobulin lambda variable 3-1; plus strand) and 79 more. Cytogenetic location: 22q11.22-11.23.
Variant type: copy number gain.
Change: copy number 3 (three copies instead of two) of chr22:22,633,642-23,305,822 (672.2 kb, GRCh38 coordinates, 1-based), cytogenetic band 22q11.22-11.23.
Identifiers: ClinVar variation 5038298 (VCV005038298.1).